The following is an entry in ClinVar:

NM_014244.5(ADAMTS2):c.3026_3027delinsAA (p.Phe1009Ter)

Gene: ADAMTS2 (ADAM metallopeptidase with thrombospondin type 1 motif 2; minus strand). Cytogenetic location: 5q35.3.
Variant type: Indel.
Coding change: c.3026_3027delinsAA on transcript NM_014244.5 (MANE Select); coding-DNA positions 3026 to 3027, TC replaced by AA.
Protein change: p.Phe1009Ter; replaces phenylalanine 1009 with a stop codon.
Molecular consequence: nonsense.
Genome position (GRCh38, 1-based): chr5:179,122,705-179,122,706, GA replaced by TT on the plus strand (TC replaced by AA on the coding strand, the reverse complement: ADAMTS2 is on the minus strand). VCF-style: chr5-179122705-GA-TT. GRCh37 (hg19) VCF-style: chr5-178549706-GA-TT.
Other names: short protein forms F1009*.
Identifiers: ClinVar variation 2026724 (VCV002026724.4), dbSNP rs2480148186, ClinGen allele CA2580074131.

ClinVar aggregate classification (germline): Pathogenic (1 of 4 stars; one submission).

Conditions:
Ehlers-Danlos syndrome, dermatosparaxis type. Also called: Ehlers-Danlos syndrome, type VII, autosomal recessive; EDS VIIC; Dermatosparaxis. Identifiers: Orphanet 1901, MedGen C2700425, MONDO:0009161, OMIM 225410.

Submission:

Labcorp Genetics (formerly Invitae), Labcorp
Classification: Pathogenic for Ehlers-Danlos syndrome, dermatosparaxis type. Last evaluated: 2022-09-13. Review status: criteria provided, single submitter. Criteria: Invitae Variant Classification Sherloc (09022015). Collection method: clinical testing. Allele origin: germline.
Comment: For these reasons, this variant has been classified as Pathogenic. This variant has not been reported in the literature in individuals affected with ADAMTS2-related conditions. Information on the frequency of this variant in the gnomAD database is not available, as this variant may be reported differently in the database. This sequence change creates a premature translational stop signal (p.Phe1009*) in the ADAMTS2 gene. It is expected to result in an absent or disrupted protein product. Loss-of-function variants in ADAMTS2 are known to be pathogenic (PMID: 10417273).

Literature cited by the submitters: PubMed 10417273.